The following is an entry in ClinVar:

NM_003632.3(CNTNAP1):c.2064C>A (p.Gly688=)

Gene: CNTNAP1 (contactin associated protein 1; plus strand). Cytogenetic location: 17q21.2.
Variant type: single nucleotide variant.
Coding change: c.2064C>A on transcript NM_003632.3 (MANE Select); coding-DNA position 2064, C replaced by A.
Protein change: p.Gly688=; no amino-acid change (glycine 688 retained).
Molecular consequence: synonymous variant.
Genome position (GRCh38, 1-based): chr17:42,691,141, C>A. VCF-style: chr17-42691141-C-A. GRCh37 (hg19) VCF-style: chr17-40843159-C-A.
Identifiers: ClinVar variation 725246 (VCV000725246.5), dbSNP rs1306241959, ClinGen allele CA500223854.

ClinVar aggregate classification (germline): Likely benign. Review status: criteria provided, single submitter (1 of 4 stars). 2 submissions from 2 submitters: Likely benign (1). 1 of the submissions does not count toward it. Last evaluated 2018-02-23.

Conditions:
CNTNAP1-related disorder. Also called: CNTNAP1-related condition; CNTNAP1-related disease.

Allele frequency attached by ClinVar (database versions not stated): gnomAD exomes below 0.00001 and 0.00001; gnomAD 0.00001.
gnomAD v4.1: 8 of 1,613,722 alleles (0.0005%); highest among the groups gnomAD compares: Non-Finnish European, 0.00068%; no homozygotes.

Submissions (2):

Labcorp Genetics (formerly Invitae), Labcorp
Classification: Likely benign. Last evaluated: 2018-02-23. Review status: criteria provided, single submitter. Criteria: Invitae Variant Classification Sherloc (09022015). Collection method: clinical testing. Allele origin: germline.

PreventionGenetics, part of Exact Sciences
Classification: Likely benign for CNTNAP1-related condition. Last evaluated: 2019-07-16. Review status: no assertion criteria provided. Collection method: clinical testing. Allele origin: germline. Not counted in ClinVar's aggregate classification.
Comment: This variant is classified as likely benign based on ACMG/AMP sequence variant interpretation guidelines (Richards et al. 2015 PMID: 25741868, with internal and published modifications).